The following is an entry in ClinVar:

NM_153240.5(NPHP3):c.3126-4T>A

Genes: NPHP3 (nephrocystin 3; minus strand), NPHP3-ACAD11 (NPHP3-ACAD11 readthrough (NMD candidate); minus strand). Cytogenetic location: 3q22.1.
Variant type: single nucleotide variant.
Coding change: c.3126-4T>A on transcript NM_153240.5 (MANE Select); 4 bases into the intron before coding-DNA position 3126, T replaced by A.
Molecular consequence: intron variant.
Genome position (GRCh38, 1-based): chr3:132,687,230, A>T on the plus strand (T>A on the coding strand, the complement: NPHP3 is on the minus strand). VCF-style: chr3-132687230-A-T. GRCh37 (hg19) VCF-style: chr3-132406074-A-T.
Other names: c.3126-4T>A (NM_153240.4).
Identifiers: ClinVar variation 1160704 (VCV001160704.13), dbSNP rs746873186, ClinGen allele CA2621828.

ClinVar aggregate classification (germline): Likely benign. Review status: criteria provided, multiple submitters, no conflicts (2 of 4 stars). 4 submissions from 4 submitters: Likely benign (3). 1 of the submissions does not count toward it. Last evaluated 2026-01-29.

Conditions:
Renal-hepatic-pancreatic dysplasia 1 (RHPD1). Identifiers: MedGen C3715199, MONDO:0008833, OMIM 208540.
Nephronophthisis 3 (NPHP3). Also called: Adolescent nephronophthisis. Identifiers: Orphanet 655, MedGen C1858392, MONDO:0011456, OMIM 604387.
NPHP3-related Meckel-like syndrome. Also called: GOLDSTON SYNDROME; Meckel syndrome type 7. Identifiers: Orphanet 3032, MedGen C2673885, MONDO:0009966, OMIM 267010.
NPHP3-related disorder. Also called: NPHP3-related disorders; NPHP3-related condition. Identifiers: MedGen CN379163.
Nephronophthisis. Also called: Juvenile Nephronophthisis. Identifiers: Orphanet 655, MedGen C0687120, MONDO:0019005, HP:0000090.

Allele frequency attached by ClinVar (database versions not stated): gnomAD exomes 0.00003 and 0.00004; TOPMed 0.00004; gnomAD 0.00005; ExAC 0.00006.
gnomAD v4.1: 38 of 1,169,968 alleles (0.0032%); highest among the groups gnomAD compares: East Asian, 0.012%; no homozygotes.

Submissions (4):

Labcorp Genetics (formerly Invitae), Labcorp
Classification: Likely benign for Nephronophthisis. Last evaluated: 2026-01-29. Review status: criteria provided, single submitter. Criteria: Invitae Variant Classification Sherloc (09022015). Collection method: clinical testing. Allele origin: germline.

Blueprint Genetics
Classification: Likely benign. Last evaluated: 2024-10-11. Review status: criteria provided, single submitter. Criteria: ACMG Guidelines, 2015. Collection method: clinical testing. Allele origin: germline.

Fulgent Genetics
Classification: Likely benign for Renal-hepatic-pancreatic dysplasia 1; NPHP3-related Meckel-like syndrome; Nephronophthisis 3. Last evaluated: 2022-01-18. Review status: criteria provided, single submitter. Criteria: ACMG Guidelines, 2015. Collection method: clinical testing. Allele origin: unknown.

PreventionGenetics, part of Exact Sciences
Classification: Likely benign for NPHP3-related condition. Last evaluated: 2023-03-14. Review status: no assertion criteria provided. Collection method: clinical testing. Allele origin: germline. Not counted in ClinVar's aggregate classification.
Comment: This variant is classified as likely benign based on ACMG/AMP sequence variant interpretation guidelines (Richards et al. 2015 PMID: 25741868, with internal and published modifications).